The following is an entry in ClinVar:

NM_004304.5(ALK):c.2110G>T (p.Ala704Ser)

Gene: ALK (ALK receptor tyrosine kinase; minus strand). Cytogenetic location: 2p23.2.
Variant type: single nucleotide variant.
Coding change: c.2110G>T on transcript NM_004304.5 (MANE Select); coding-DNA position 2110, G replaced by T.
Protein change: p.Ala704Ser; replaces alanine 704 with serine.
Molecular consequence: missense variant.
Genome position (GRCh38, 1-based): chr2:29,251,199, C>A on the plus strand (G>T on the coding strand, the complement: ALK is on the minus strand). VCF-style: chr2-29251199-C-A. GRCh37 (hg19) VCF-style: chr2-29474065-C-A.
Other names: c.2110G>T (NM_004304.4); short protein forms A704S.
Identifiers: ClinVar variation 2145216 (VCV002145216.5), dbSNP rs34829159, ClinGen allele CA346477017.
Genomic context (GRCh38, chr2:29,251,199, plus strand): 5'-GGATGCCTTTCAGGGGGCCCTCGCTCCCCACCTCCACGCTCAGGTTGGAGTTCTGGTAGG[C>A]GTTGTTGCACTGTGCCTGGGTGGGGCCATGGGGCCCGCTGGCCCCACATGTGGTGAACAG-3'
Protein context (NP_004295.2, residues 694-714): HGPTQAQCNN[Ala704Ser]YQNSNLSVEV

ClinVar aggregate classification (germline): Uncertain significance. Review status: criteria provided, multiple submitters, no conflicts (2 of 4 stars). 2 submissions from 2 submitters: Uncertain significance (2). Last evaluated 2026-02-27.

Conditions:
Neuroblastoma, susceptibility to, 3. Also called: ALK-Related Neuroblastic Tumor Susceptibility. Identifiers: Orphanet 635, MedGen C2751681, MONDO:0013083, OMIM 613014.
Hereditary cancer-predisposing syndrome. Also called: Hereditary neoplastic syndrome; Neoplastic Syndromes, Hereditary; Tumor predisposition; Hereditary Cancer Syndrome. Identifiers: Orphanet 140162, MedGen C0027672, MeSH D009386, MONDO:0015356.

gnomAD v4.1: 11 of 1,614,136 alleles (0.00068%); highest among the groups gnomAD compares: Non-Finnish European, 0.00093%; no homozygotes.

Submissions (2):

Ambry Genetics
Classification: Uncertain significance for Hereditary cancer-predisposing syndrome. Last evaluated: 2026-02-27. Review status: criteria provided, single submitter. Criteria: Ambry Variant Classification Scheme 2023. Collection method: clinical testing. Allele origin: germline.
Comment: The p.A704S variant (also known as c.2110G>T), located in coding exon 12 of the ALK gene, results from a G to T substitution at nucleotide position 2110. The alanine at codon 704 is replaced by serine, an amino acid with similar properties. This amino acid position is well conserved in available vertebrate species. In addition, the in silico prediction for this alteration is inconclusive. Based on the available evidence, the clinical significance of this variant remains unclear.

Labcorp Genetics (formerly Invitae), Labcorp
Classification: Uncertain significance for Neuroblastoma, susceptibility to, 3. Last evaluated: 2025-08-24. Review status: criteria provided, single submitter. Criteria: Invitae Variant Classification Sherloc (09022015). Collection method: clinical testing. Allele origin: germline.
Comment: This sequence change replaces alanine, which is neutral and non-polar, with serine, which is neutral and polar, at codon 704 of the ALK protein (p.Ala704Ser). This variant is not present in population databases (gnomAD no frequency). This variant has not been reported in the literature in individuals affected with ALK-related conditions. ClinVar contains an entry for this variant (Variation ID: 2145216). An algorithm developed to predict the effect of missense changes on protein structure and function (PolyPhen-2) suggests that this variant is likely to be disruptive. In summary, the available evidence is currently insufficient to determine the role of this variant in disease. Therefore, it has been classified as a Variant of Uncertain Significance.